The following is an entry in ClinVar:

ClinVar aggregate classification (germline): Uncertain significance (1 of 4 stars; one submission).

Submission:

Labcorp Genetics (formerly Invitae), Labcorp
Classification: Uncertain significance. Last evaluated: 2023-12-07. Review status: criteria provided, single submitter. Criteria: Invitae Variant Classification Sherloc (09022015). Collection method: clinical testing. Allele origin: germline.
Comment: This sequence change replaces glycine, which is neutral and non-polar, with glutamic acid, which is acidic and polar, at codon 277 of the EIF2AK3 protein (p.Gly277Glu). This variant is not present in population databases (gnomAD no frequency). This variant has not been reported in the literature in individuals affected with EIF2AK3-related conditions. ClinVar contains an entry for this variant (Variation ID: 1406968). An algorithm developed to predict the effect of missense changes on protein structure and function (PolyPhen-2) suggests that this variant is likely to be disruptive. In summary, the available evidence is currently insufficient to determine the role of this variant in disease. Therefore, it has been classified as a Variant of Uncertain Significance.

NM_004836.7(EIF2AK3):c.830G>A (p.Gly277Glu)

Gene: EIF2AK3 (eukaryotic translation initiation factor 2 alpha kinase 3; minus strand). Cytogenetic location: 2p11.2.
Variant type: single nucleotide variant.
Coding change: c.830G>A on transcript NM_004836.7 (MANE Select); coding-DNA position 830, G replaced by A.
Protein change: p.Gly277Glu; replaces glycine 277 with glutamic acid.
Molecular consequence: missense variant.
Genome position (GRCh38, 1-based): chr2:88,590,990, C>T on the plus strand (G>A on the coding strand, the complement: EIF2AK3 is on the minus strand). VCF-style: chr2-88590990-C-T. GRCh37 (hg19) VCF-style: chr2-88890508-C-T.
Other names: c.377G>A, p.Gly126Glu (NM_001313915.2); short protein forms G126E, G277E.
Identifiers: ClinVar variation 1406968 (VCV001406968.8), dbSNP rs1674875908, ClinGen allele CA347596115.